The following is an entry in ClinVar:

NM_058216.3(RAD51C):c.705+6A>C

Genes: RAD51C (RAD51 paralog C; plus strand), LOC129390903 (MPRA-validated peak2919 silencer; plus strand). Cytogenetic location: 17q22.
Variant type: single nucleotide variant.
Coding change: c.705+6A>C on transcript NM_058216.3 (MANE Select); 6 bases into the intron after coding-DNA position 705, A replaced by C.
Molecular consequence: intron variant.
Genome position (GRCh38, 1-based): chr17:58,703,335, A>C. VCF-style: chr17-58703335-A-C. GRCh37 (hg19) VCF-style: chr17-56780696-A-C.
Identifiers: ClinVar variation 2821551 (VCV002821551.3), dbSNP rs2143802656, ClinGen allele CA2739268266.

ClinVar aggregate classification (germline): Uncertain significance (1 of 4 stars; one submission).

Conditions:
Fanconi anemia complementation group O. Also called: RAD51C-Related Fanconi Anemia. Identifiers: Orphanet 84, MedGen C3150653, MONDO:0013248, OMIM 613390.

Submission:

Labcorp Genetics (formerly Invitae), Labcorp
Classification: Uncertain significance for Fanconi anemia complementation group O. Last evaluated: 2022-12-16. Review status: criteria provided, single submitter. Criteria: Invitae Variant Classification Sherloc (09022015). Collection method: clinical testing. Allele origin: germline.
Comment: This sequence change falls in intron 4 of the RAD51C gene. It does not directly change the encoded amino acid sequence of the RAD51C protein. It affects a nucleotide within the consensus splice site. This variant is not present in population databases (gnomAD no frequency). This variant has not been reported in the literature in individuals affected with RAD51C-related conditions. Variants that disrupt the consensus splice site are a relatively common cause of aberrant splicing (PMID: 17576681, 9536098). Algorithms developed to predict the effect of sequence changes on RNA splicing suggest that this variant is not likely to affect RNA splicing. In summary, the available evidence is currently insufficient to determine the role of this variant in disease. Therefore, it has been classified as a Variant of Uncertain Significance.

Literature cited by the submitters: PubMed 17576681; PubMed 9536098.